The following is an entry in ClinVar:

ClinVar aggregate classification (germline): Conflicting classifications of pathogenicity. Review status: criteria provided, conflicting classifications (1 of 4 stars). 10 submissions from 10 submitters: Uncertain significance (1); Benign (3); Likely benign (5). 1 of the submissions does not count toward it. Last evaluated 2026-02-01.

Conditions:
Thrombocytopenia 2 (THC2). Also called: ANKRD26-Related Thrombocytopenia. Identifiers: Orphanet 268322, MedGen C1861185, MONDO:0008555, OMIM 188000.
ANKRD26-related disorder. Also called: ANKRD26-related condition.

Allele frequency attached by ClinVar (database versions not stated): 1000 Genomes Project 30x 0.00047; 1000 Genomes Project 0.00060; TOPMed 0.00092; ESP Exome Variant Server 0.00118; gnomAD 0.00136 and 0.00137; gnomAD exomes 0.00159; ExAC 0.00195.
gnomAD v4.1: 2,725 of 1,609,176 alleles (0.17%); highest among the groups gnomAD compares: Non-Finnish European, 0.19%; 8 homozygotes.

Submissions (10):

Labcorp Genetics (formerly Invitae), Labcorp
Classification: Benign. Last evaluated: 2026-02-01. Review status: criteria provided, single submitter. Criteria: Invitae Variant Classification Sherloc (09022015). Collection method: clinical testing. Allele origin: germline.

ARUP Laboratories, Molecular Genetics and Genomics, ARUP Laboratories
Classification: Likely benign for Thrombocytopenia 2. Last evaluated: 2025-05-16. Review status: criteria provided, single submitter. Criteria: ARUP Molecular Germline Variant Investigation Process 2024. Collection method: clinical testing. Allele origin: germline.

Blueprint Genetics
Classification: Likely benign. Last evaluated: 2024-11-18. Review status: criteria provided, single submitter. Criteria: ACMG Guidelines, 2015. Collection method: clinical testing. Allele origin: germline.

Mayo Clinic Laboratories, Mayo Clinic
Classification: Likely benign. Last evaluated: 2024-05-21. Review status: criteria provided, single submitter. Criteria: ACMG Guidelines, 2015. Collection method: clinical testing. Allele origin: germline. Observed: 2 variant alleles.
Comment: BS1, BS2_supporting, BP4

Genetic Services Laboratory, University of Chicago
Classification: Likely benign. Last evaluated: 2021-12-26. Review status: criteria provided, single submitter. Criteria: ACMG Guidelines, 2015. Collection method: clinical testing. Allele origin: germline. Affected: no.

Genome-Nilou Lab
Classification: Benign for Thrombocytopenia 2. Last evaluated: 2021-12-05. Review status: criteria provided, single submitter. Criteria: ACMG Guidelines, 2015. Collection method: clinical testing. Allele origin: germline. Affected: no.

GeneDx
Classification: Likely benign. Last evaluated: 2021-01-05. Review status: criteria provided, single submitter. Criteria: GeneDx Variant Classification Process June 2021. Collection method: clinical testing. Allele origin: germline. Affected: yes.
Comment: In silico analysis supports that this missense variant has a deleterious effect on protein structure/function; This variant is associated with the following publications: (PMID: 29185836, 22817890)

Genetics and Molecular Pathology, SA Pathology
Classification: Uncertain significance for Thrombocytopenia 2. Last evaluated: 2020-01-29. Review status: criteria provided, single submitter. Criteria: ACMG Guidelines, 2015. Collection method: clinical testing. Allele origin: germline. Affected: yes.

Illumina Laboratory Services, Illumina
Classification: Benign for Thrombocytopenia 2. Last evaluated: 2018-01-12. Review status: criteria provided, single submitter. Criteria: ICSL Variant Classification Criteria 13 December 2019. Collection method: clinical testing. Allele origin: germline.
Comment: This variant was observed in the ICSL laboratory as part of a predisposition screen in an ostensibly healthy population. It had not been previously curated by ICSL or reported in the Human Gene Mutation Database (HGMD: prior to June 1st, 2018), and was therefore a candidate for classification through an automated scoring system. Utilizing variant allele frequency, disease prevalence and penetrance estimates, and inheritance mode, an automated score was calculated to assess if this variant is too frequent to cause the disease. Based on the score and internal cut-off values, a variant classified as benign is not then subjected to further curation. The score for this variant resulted in a classification of benign for this disease.

PreventionGenetics, part of Exact Sciences
Classification: Benign for ANKRD26-related condition. Last evaluated: 2019-06-27. Review status: no assertion criteria provided. Collection method: clinical testing. Allele origin: germline. Not counted in ClinVar's aggregate classification.
Comment: This variant is classified as benign based on ACMG/AMP sequence variant interpretation guidelines (Richards et al. 2015 PMID: 25741868, with internal and published modifications).

NM_014915.3(ANKRD26):c.2170A>C (p.Ser724Arg)

Gene: ANKRD26 (ankyrin repeat domain 26; minus strand). Cytogenetic location: 10p12.1.
Variant type: single nucleotide variant.
Coding change: c.2170A>C on transcript NM_014915.3 (MANE Select); coding-DNA position 2170, A replaced by C.
Protein change: p.Ser724Arg; replaces serine 724 with arginine.
Molecular consequence: missense variant.
Genome position (GRCh38, 1-based): chr10:27,040,170, T>G on the plus strand (A>C on the coding strand, the complement: ANKRD26 is on the minus strand). VCF-style: chr10-27040170-T-G. GRCh37 (hg19) VCF-style: chr10-27329099-T-G.
Other names: p.Ser724Arg; c.2167A>C, p.Ser723Arg (NM_001256053.2); short protein forms S723R, S724R.
Identifiers: ClinVar variation 717238 (VCV000717238.24), dbSNP rs141748831, ClinGen allele CA5448274.